The following is an entry in ClinVar:

NM_001966.4(EHHADH):c.910+7C>A

Gene: EHHADH (enoyl-CoA hydratase and 3-hydroxyacyl CoA dehydrogenase; minus strand). Cytogenetic location: 3q27.2.
Variant type: single nucleotide variant.
Coding change: c.910+7C>A on transcript NM_001966.4 (MANE Select); 7 bases into the intron after coding-DNA position 910, C replaced by A.
Molecular consequence: intron variant.
Genome position (GRCh38, 1-based): chr3:185,204,409, G>T on the plus strand (C>A on the coding strand, the complement: EHHADH is on the minus strand). VCF-style: chr3-185204409-G-T. GRCh37 (hg19) VCF-style: chr3-184922197-G-T.
Other names: p.?; c.622+7C>A (NM_001166415.2).
Identifiers: ClinVar variation 774611 (VCV000774611.31), dbSNP rs17283799, ClinGen allele CA2739093.
Genomic context (GRCh38, chr3:185,204,409, plus strand): 5'-CTAAGCAAATGGTAGCACATTACATGAGCAGATTTGGAGGATTCCATTCATTACCCCATG[G>T]TCTTACCAACAACACCAACTGAGGAGACAGGCCGCGCTGATGCTGTTTTCCACGATGCTC-3'

ClinVar aggregate classification (germline): Benign/Likely benign. Review status: criteria provided, multiple submitters, no conflicts (2 of 4 stars). 5 submissions from 5 submitters: Benign (4); Likely benign (1). Last evaluated 2026-07-01.

Conditions:
Cholestasis. Identifiers: MedGen C0008370, MONDO:0001751, HP:0001396.

Allele frequency attached by ClinVar (database versions not stated): 1000 Genomes Project 0.00260; 1000 Genomes Project 30x 0.00312; TOPMed 0.00853; gnomAD 0.00854 and 0.00874; ESP Exome Variant Server 0.01192.
gnomAD v4.1: 18,310 of 1,592,902 alleles (1.1%); highest among the groups gnomAD compares: Non-Finnish European, 1.4%; 144 homozygotes.

Submissions (5):

CeGaT Center for Human Genetics Tuebingen
Classification: Benign. Last evaluated: 2026-07-01. Review status: criteria provided, single submitter. Criteria: CeGaT Center For Human Genetics Tuebingen Variant Classification Criteria Version 2. Collection method: clinical testing. Allele origin: germline. Affected: yes. Observed: 6 variant alleles.
Comment: EHHADH: BP4, BS1, BS2

Mayo Clinic Laboratories, Mayo Clinic
Classification: Benign. Last evaluated: 2022-02-24. Review status: criteria provided, single submitter. Criteria: ACMG Guidelines, 2015. Collection method: clinical testing. Allele origin: germline. Observed: 9 variant alleles.
Comment: BS1, BS2, BP4, BP7

Labcorp Genetics (formerly Invitae), Labcorp
Classification: Benign. Last evaluated: 2019-12-31. Review status: criteria provided, single submitter. Criteria: Invitae Variant Classification Sherloc (09022015). Collection method: clinical testing. Allele origin: germline.

Genetics and Molecular Pathology, SA Pathology
Classification: Likely benign for Cholestasis. Last evaluated: 2019-11-29. Review status: criteria provided, single submitter. Criteria: ACMG Guidelines, 2015. Collection method: clinical testing. Allele origin: germline. Inheritance: Autosomal dominant inheritance. Affected: yes.

Breakthrough Genomics
Classification: Benign. Review status: criteria provided, single submitter. Criteria: ACMG Guidelines, 2015. Collection method: not provided. Allele origin: germline. Inheritance: Autosomal dominant inheritance. Affected: yes.